The following is an entry in ClinVar:

NM_021098.3(CACNA1H):c.299C>T (p.Pro100Leu)

Gene: CACNA1H (calcium voltage-gated channel subunit alpha1 H; plus strand). Cytogenetic location: 16p13.3.
Variant type: single nucleotide variant.
Coding change: c.299C>T on transcript NM_021098.3 (MANE Select); coding-DNA position 299, C replaced by T.
Protein change: p.Pro100Leu; replaces proline 100 with leucine.
Molecular consequence: missense variant.
Genome position (GRCh38, 1-based): chr16:1,154,036, C>T. VCF-style: chr16-1154036-C-T. GRCh37 (hg19) VCF-style: chr16-1204036-C-T.
Other names: c.299C>T, p.Pro100Leu (NM_001005407.2); short protein forms P100L.
Identifiers: ClinVar variation 1346665 (VCV001346665.9), dbSNP rs765181693, ClinGen allele CA7799319.

ClinVar aggregate classification (germline): Uncertain significance. Review status: criteria provided, multiple submitters, no conflicts (2 of 4 stars). 2 submissions from 2 submitters: Uncertain significance (2). Last evaluated 2021-08-02.

Conditions:
Idiopathic generalized epilepsy. Also called: EIG; Generalised epilepsy. Identifiers: MedGen C0270850, MONDO:0005579, OMIM 600669.
Hyperaldosteronism, familial, type IV (HALD4). Also called: FH IV; ALDOSTERONISM, PRIMARY, AND HYPERTENSION. Identifiers: Orphanet 642671, MedGen C4310756, MONDO:0014875, OMIM 617027.
Epilepsy, childhood absence, susceptibility to, 6. Identifiers: Orphanet 64280, MedGen C2749872, MONDO:0012763, OMIM 611942.

Allele frequency attached by ClinVar (database versions not stated): TOPMed below 0.00001; gnomAD exomes 0.00005; 1000 Genomes Project 30x 0.00016; ExAC 0.00025.

Submissions (2):

Fulgent Genetics
Classification: Uncertain significance for Epilepsy, childhood absence, susceptibility to, 6; Hyperaldosteronism, familial, type IV. Last evaluated: 2021-08-02. Review status: criteria provided, single submitter. Criteria: ACMG Guidelines, 2015. Collection method: clinical testing. Allele origin: unknown.

Labcorp Genetics (formerly Invitae), Labcorp
Classification: Uncertain significance for Idiopathic generalized epilepsy; Hyperaldosteronism, familial, type IV. Last evaluated: 2021-04-18. Review status: criteria provided, single submitter. Criteria: Invitae Variant Classification Sherloc (09022015). Collection method: clinical testing. Allele origin: germline.
Comment: In summary, the available evidence is currently insufficient to determine the role of this variant in disease. Therefore, it has been classified as a Variant of Uncertain Significance. Algorithms developed to predict the effect of missense changes on protein structure and function (SIFT, PolyPhen-2, Align-GVGD) all suggest that this variant is likely to be tolerated, but these predictions have not been confirmed by published functional studies and their clinical significance is uncertain. This variant has not been reported in the literature in individuals with CACNA1H-related conditions. While this variant is present in population databases (rs765181693), the frequency information is unreliable, as metrics indicate poor data quality at this position in the ExAC database. This sequence change replaces proline with leucine at codon 100 of the CACNA1H protein (p.Pro100Leu). The proline residue is weakly conserved and there is a moderate physicochemical difference between proline and leucine.